The following is an entry in ClinVar:

ClinVar aggregate classification (germline): Uncertain significance. Review status: criteria provided, multiple submitters, no conflicts (2 of 4 stars). 3 submissions from 3 submitters: Uncertain significance (3). Last evaluated 2026-02-04.

Conditions:
Familial episodic pain syndrome with predominantly lower limb involvement. Also called: Episodic pain syndrome, familial, 3. Identifiers: Orphanet 391384, Orphanet 391392, MedGen C3809899, MONDO:0014247, OMIM 615552.
Hereditary sensory and autonomic neuropathy type 7. Also called: HSAN VII; Neuropathy, hereditary sensory and autonomic, type VII. Identifiers: Orphanet 391397, MedGen C3809882, MONDO:0014244, OMIM 615548.
SCN11A-related disorder. Also called: SCN11A-related condition.
Inborn genetic diseases. Identifiers: MedGen C0950123, MeSH D030342.

Allele frequency attached by ClinVar (database versions not stated): ExAC 0.00001; gnomAD exomes 0.00001 and 0.00003; gnomAD 0.00002; TOPMed 0.00003.
gnomAD v4.1: 57 of 1,614,068 alleles (0.0035%); highest among the groups gnomAD compares: Non-Finnish European, 0.0042%; no homozygotes.

Submissions (3):

PreventionGenetics, part of Exact Sciences
Classification: Uncertain significance for SCN11A-related condition. Last evaluated: 2026-02-04. Review status: criteria provided, single submitter. Criteria: ACMG Guidelines, 2015. Collection method: clinical testing. Allele origin: germline.
Comment: The SCN11A c.2522G>A variant is predicted to result in the amino acid substitution p.Arg841Gln. To our knowledge, this variant has not been reported in the literature. This variant is reported in 0.0018% of alleles in individuals of European (non-Finnish) descent in gnomAD. At this time, the clinical significance of this variant is uncertain due to the absence of conclusive functional and genetic evidence.

Ambry Genetics
Classification: Uncertain significance for Inborn genetic diseases. Last evaluated: 2025-10-07. Review status: criteria provided, single submitter. Criteria: Ambry Variant Classification Scheme 2023. Collection method: clinical testing. Allele origin: germline.

Labcorp Genetics (formerly Invitae), Labcorp
Classification: Uncertain significance for Familial episodic pain syndrome with predominantly lower limb involvement; Hereditary sensory and autonomic neuropathy type 7. Last evaluated: 2023-02-21. Review status: criteria provided, single submitter. Criteria: Invitae Variant Classification Sherloc (09022015). Collection method: clinical testing. Allele origin: germline.
Comment: In summary, the available evidence is currently insufficient to determine the role of this variant in disease. Therefore, it has been classified as a Variant of Uncertain Significance. Advanced modeling of protein sequence and biophysical properties (such as structural, functional, and spatial information, amino acid conservation, physicochemical variation, residue mobility, and thermodynamic stability) performed at Invitae indicates that this missense variant is not expected to disrupt SCN11A protein function. ClinVar contains an entry for this variant (Variation ID: 571780). This variant has not been reported in the literature in individuals affected with SCN11A-related conditions. This variant is present in population databases (rs779067124, gnomAD 0.002%). This sequence change replaces arginine, which is basic and polar, with glutamine, which is neutral and polar, at codon 841 of the SCN11A protein (p.Arg841Gln).

NM_001349253.2(SCN11A):c.2522G>A (p.Arg841Gln)

Gene: SCN11A (sodium voltage-gated channel alpha subunit 11; minus strand). Cytogenetic location: 3p22.2.
Variant type: single nucleotide variant.
Coding change: c.2522G>A on transcript NM_001349253.2 (MANE Select); coding-DNA position 2522, G replaced by A.
Protein change: p.Arg841Gln; replaces arginine 841 with glutamine.
Molecular consequence: missense variant.
Genome position (GRCh38, 1-based): chr3:38,894,846, C>T on the plus strand (G>A on the coding strand, the complement: SCN11A is on the minus strand). VCF-style: chr3-38894846-C-T. GRCh37 (hg19) VCF-style: chr3-38936337-C-T.
Other names: c.2522G>A, p.Arg841Gln (NM_014139.3); short protein forms R841Q.
Identifiers: ClinVar variation 571780 (VCV000571780.8), dbSNP rs779067124, ClinGen allele CA2322022.